The following is an entry in ClinVar:

NM_002519.3(NPAT):c.3679G>A (p.Val1227Met)

Gene: NPAT (nuclear protein, coactivator of histone transcription; minus strand). Cytogenetic location: 11q22.3.
Variant type: single nucleotide variant.
Coding change: c.3679G>A on transcript NM_002519.3 (MANE Select); coding-DNA position 3679, G replaced by A.
Protein change: p.Val1227Met; replaces valine 1227 with methionine.
Molecular consequence: missense variant.
Genome position (GRCh38, 1-based): chr11:108,161,407, C>T on the plus strand (G>A on the coding strand, the complement: NPAT is on the minus strand). VCF-style: chr11-108161407-C-T. GRCh37 (hg19) VCF-style: chr11-108032134-C-T.
Other names: c.3700G>A, p.Val1234Met (NM_001321307.1); short protein forms V1227M, V1234M.
Identifiers: ClinVar variation 1733852 (VCV001733852.3), dbSNP rs1055252784, ClinGen allele CA382510288.

ClinVar aggregate classification (germline): Uncertain significance (1 of 4 stars; one submission).

Allele frequency attached by ClinVar (database versions not stated): gnomAD 0.00001.
gnomAD v4.1: 7 of 1,614,080 alleles (0.00043%); highest among the groups gnomAD compares: Non-Finnish European, 0.00059%; no homozygotes.

Submission:

Ambry Genetics
Classification: Uncertain significance. Last evaluated: 2024-05-04. Review status: criteria provided, single submitter. Criteria: Ambry Variant Classification Scheme 2023. Collection method: clinical testing. Allele origin: germline.
Comment: The p.V1227M variant (also known as c.3679G>A), located in coding exon 17 of the NPAT gene, results from a G to A substitution at nucleotide position 3679. The valine at codon 1227 is replaced by methionine, an amino acid with highly similar properties. This amino acid position is conserved. In addition, this alteration is predicted to be tolerated by in silico analysis. Since supporting evidence is limited at this time, the clinical significance of this alteration remains unclear.